The following is an entry in ClinVar:

ClinVar aggregate classification (germline): Uncertain significance (1 of 4 stars; one submission).

Submission:

Labcorp Genetics (formerly Invitae), Labcorp
Classification: Uncertain significance. Last evaluated: 2025-05-12. Review status: criteria provided, single submitter. Criteria: Invitae Variant Classification Sherloc (09022015). Collection method: clinical testing. Allele origin: germline.
Comment: This sequence change replaces glycine, which is neutral and non-polar, with aspartic acid, which is acidic and polar, at codon 1551 of the SCN3A protein (p.Gly1551Asp). This variant is not present in population databases (gnomAD no frequency). This variant has not been reported in the literature in individuals affected with SCN3A-related conditions. ClinVar contains an entry for this variant (Variation ID: 3689975). Invitae Evidence Modeling of protein sequence and biophysical properties (such as structural, functional, and spatial information, amino acid conservation, physicochemical variation, residue mobility, and thermodynamic stability) has been performed for this missense variant. However, the output from this modeling did not meet the statistical confidence thresholds required to predict the impact of this variant on SCN3A protein function. In summary, the available evidence is currently insufficient to determine the role of this variant in disease. Therefore, it has been classified as a Variant of Uncertain Significance.

NM_006922.4(SCN3A):c.4652G>A (p.Gly1551Asp)

Gene: SCN3A (sodium voltage-gated channel alpha subunit 3; minus strand). Cytogenetic location: 2q24.3.
Variant type: single nucleotide variant.
Coding change: c.4652G>A on transcript NM_006922.4 (MANE Select); coding-DNA position 4652, G replaced by A.
Protein change: p.Gly1551Asp; replaces glycine 1551 with aspartic acid.
Molecular consequence: missense variant.
Genome position (GRCh38, 1-based): chr2:165,092,409, C>T on the plus strand (G>A on the coding strand, the complement: SCN3A is on the minus strand). VCF-style: chr2-165092409-C-T. GRCh37 (hg19) VCF-style: chr2-165948919-C-T.
Other names: c.4505G>A, p.Gly1502Asp (NM_001081676.2, NM_001081677.2); short protein forms G1502D, G1551D.
Identifiers: ClinVar variation 3689975 (VCV003689975.2).
Genomic context (GRCh38, chr2:165,092,409, plus strand): 5'-CCAGTGAACAGAACAATGAACACTAGGTTGATCCGGGACAAAACTAGGGTCATGTATTTG[C>T]CCTGGTCATCCGTTTCCACCATCATGGTGACCATGTTGAGGCAGATGAGGATCATGATGC-3'
Protein context (NP_008853.3, residues 1541-1561): VTMMVETDDQ[Gly1551Asp]KYMTLVLSRI